The following is an entry in ClinVar:

ClinVar aggregate classification (germline): Uncertain significance. Review status: criteria provided, multiple submitters, no conflicts (2 of 4 stars). 2 submissions from 2 submitters: Uncertain significance (2). Last evaluated 2022-02-14.

Allele frequency attached by ClinVar (database versions not stated): gnomAD exomes below 0.00001 and 0.00001; ExAC 0.00001.

Submissions (2):

Blueprint Genetics
Classification: Uncertain significance. Last evaluated: 2022-02-14. Review status: criteria provided, single submitter. Criteria: ACMG Guidelines, 2015. Collection method: clinical testing. Allele origin: germline.

GeneDx
Classification: Uncertain significance. Last evaluated: 2021-04-13. Review status: criteria provided, single submitter. Criteria: GeneDx Variant Classification Process June 2021. Collection method: clinical testing. Allele origin: germline. Affected: yes.
Comment: In silico analysis supports that this variant does not alter splicing; Has not been previously published as pathogenic or benign to our knowledge

NM_002700.3(POU4F3):c.207C>T (p.Gly69=)

Genes: POU4F3 (POU class 4 homeobox 3; plus strand), RBM27-POU4F3 (RBM27-POU4F3 readthrough; plus strand). Cytogenetic location: 5q32.
Variant type: single nucleotide variant.
Coding change: c.207C>T on transcript NM_002700.3 (MANE Select); coding-DNA position 207, C replaced by T.
Protein change: p.Gly69=; no amino-acid change (glycine 69 retained).
Molecular consequence: synonymous variant.
Genome position (GRCh38, 1-based): chr5:146,339,634, C>T. VCF-style: chr5-146339634-C-T. GRCh37 (hg19) VCF-style: chr5-145719197-C-T.
Identifiers: ClinVar variation 1314251 (VCV001314251.3), dbSNP rs760621582, ClinGen allele CA3491069.
Genomic context (GRCh38, chr5:146,339,634, plus strand): 5'-TGATGAGAGCCTGCTGGCACGCGCCGAAGCTCTGGCGGCGGTGGATATCGTCTCCCACGG[C>T]AAGAACCATCCGTTCAAGCCCGACGCCACCTACCATACCATGAGCAGCGTGCCCTGCACG-3'
Protein context (NP_002691.1, residues 59-79): ALAAVDIVSH[Gly69=]KNHPFKPDAT